The following is an entry in ClinVar:

NM_017909.4(RMND1):c.494_497del (p.Leu164_Ser165insTer)

Gene: RMND1 (required for meiotic nuclear division 1 homolog; minus strand). Cytogenetic location: 6q25.1.
Variant type: Microsatellite.
Coding change: c.494_497del on transcript NM_017909.4 (MANE Select); coding-DNA positions 494 to 497, 4 bases deleted (CTGT; older notation c.494_497delCTGT).
Protein change: p.Leu164_Ser165insTer.
Molecular consequence: nonsense. On other transcripts: intron variant (1).
Genome position (GRCh38, 1-based): chr6:151,445,315-151,445,318, ACAG deleted on the plus strand (CTGT on the coding strand, the reverse complement: RMND1 is on the minus strand); deleting any 4 consecutive bases within chr6:151,445,315-151,445,323 gives the same sequence; the c. name uses the placement nearest the transcript's 3' end. VCF-style (leftmost placement, unchanged base first): chr6-151445314-CACAG-C. GRCh37 (hg19) VCF-style: chr6-151766449-CACAG-C.
Other names: c.-7+6698_-7+6701del (NM_001271937.2).
Identifiers: ClinVar variation 450642 (VCV000450642.2), dbSNP rs1427212110, ClinGen allele CA571122693.
Genomic context (GRCh38, chr6:151,445,314, plus strand): 5'-TTTAGCATGAGCAATGATCACTAAGCACGAGAGCCACGGCCACCCCTACTTTACCTCGTT[CACAG>C]ACAGAACTGGAAGGTTGGTCCTGGATGGCTGTCTGGTCCTGGATGCTTTTAGTGGTCTCT-3'

ClinVar aggregate classification (germline): Likely pathogenic (1 of 4 stars; one submission).

Submission:

GeneDx
Classification: Likely pathogenic. Last evaluated: 2017-07-17. Review status: criteria provided, single submitter. Criteria: GeneDx Variant Classification (06012015). Collection method: clinical testing. Allele origin: germline. Affected: yes.
Comment: The c.494_497delCTGT variant results in the replacement of a Serine codon with a premature stop codon at position 165, denoted p.Ser165Ter. The c.494_497delCTGT variant is not observed in large population cohorts (Lek et al., 2016; 1000 Genomes Consortium et al., 2015; Exome Variant Server). This variant is predicted to cause loss of normal protein function either through protein truncation or nonsense-mediated mRNA decay. Although this variant has not been reported previously to our knowledge, it is interpreted to be a likely pathogenic variant.